The following is an entry in ClinVar:

ClinVar aggregate classification (germline): Uncertain significance (1 of 4 stars; one submission).

Conditions:
Developmental and epileptic encephalopathy 94 (DEE94). Also called: CHD2-Related Neurodevelopmental Disorders; Epileptic encephalopathy, childhood-onset. Identifiers: Orphanet 1942, Orphanet 2382, MedGen C3809278, MONDO:0014150, OMIM 615369.

Allele frequency attached by ClinVar (database versions not stated): gnomAD 0.00001; TOPMed 0.00001.
gnomAD v4.1: 4 of 1,613,918 alleles (0.00025%); highest among the groups gnomAD compares: African/African-American, 0.0013%; no homozygotes.

Submission:

Labcorp Genetics (formerly Invitae), Labcorp
Classification: Uncertain significance for Developmental and epileptic encephalopathy 94. Last evaluated: 2025-05-30. Review status: criteria provided, single submitter. Criteria: Invitae Variant Classification Sherloc (09022015). Collection method: clinical testing. Allele origin: germline.
Comment: This sequence change replaces serine, which is neutral and polar, with threonine, which is neutral and polar, at codon 293 of the CHD2 protein (p.Ser293Thr). This variant is not present in population databases (gnomAD no frequency). This variant has not been reported in the literature in individuals affected with CHD2-related conditions. ClinVar contains an entry for this variant (Variation ID: 1040135). Invitae Evidence Modeling of protein sequence and biophysical properties (such as structural, functional, and spatial information, amino acid conservation, physicochemical variation, residue mobility, and thermodynamic stability) indicates that this missense variant is not expected to disrupt CHD2 protein function with a negative predictive value of 95%. In summary, the available evidence is currently insufficient to determine the role of this variant in disease. Therefore, it has been classified as a Variant of Uncertain Significance.

NM_001271.4(CHD2):c.878G>C (p.Ser293Thr)

Gene: CHD2 (chromodomain helicase DNA binding protein 2; plus strand). Cytogenetic location: 15q26.1.
Variant type: single nucleotide variant.
Coding change: c.878G>C on transcript NM_001271.4 (MANE Select); coding-DNA position 878, G replaced by C.
Protein change: p.Ser293Thr; replaces serine 293 with threonine.
Molecular consequence: missense variant.
Genome position (GRCh38, 1-based): chr15:92,942,894, G>C. VCF-style: chr15-92942894-G-C. GRCh37 (hg19) VCF-style: chr15-93486124-G-C.
Other names: c.878G>C, p.Ser293Thr (NM_001042572.3); short protein forms S293T.
Identifiers: ClinVar variation 1040135 (VCV001040135.9), dbSNP rs1555439526, ClinGen allele CA393901521.